The following is an entry in ClinVar:

ClinVar aggregate classification (germline): Uncertain significance (1 of 4 stars; one submission).

Submission:

Institute for Clinical Genetics, University Hospital TU Dresden, University Hospital TU Dresden
Classification: Uncertain significance. Last evaluated: 2022-10-19. Review status: criteria provided, single submitter. Criteria: ACMG Guidelines, 2015. Collection method: clinical testing. Allele origin: germline.
Comment: PM2_SUP

NM_003719.5(PDE8B):c.1196A>T (p.Asp399Val)

Gene: PDE8B (phosphodiesterase 8B; plus strand). Cytogenetic location: 5q13.3.
Variant type: single nucleotide variant.
Coding change: c.1196A>T on transcript NM_003719.5 (MANE Select); coding-DNA position 1196, A replaced by T.
Protein change: p.Asp399Val; replaces aspartic acid 399 with valine.
Molecular consequence: missense variant.
Genome position (GRCh38, 1-based): chr5:77,400,276, A>T. VCF-style: chr5-77400276-A-T. GRCh37 (hg19) VCF-style: chr5-76696101-A-T.
Other names: c.905A>T, p.Asp302Val (NM_001029851.4); c.1196A>T, p.Asp399Val (NM_001029852.4); c.1136A>T, p.Asp379Val (NM_001029853.4); c.1055A>T, p.Asp352Val (NM_001029854.4); c.1193A>T, p.Asp398Val (NM_001349748.3, NM_001349751.3); c.1259A>T, p.Asp420Val (NM_001349749.3); c.956A>T, p.Asp319Val (NM_001349750.3); c.890A>T, p.Asp297Val (NM_001349752.3); and 12 more; short protein forms D178V, D181V, D201V, D250V, D251V, D271V, D275V, D278V.
Identifiers: ClinVar variation 2576000 (VCV002576000.1), dbSNP rs1791982890, ClinGen allele CA360177142.
Genomic context (GRCh38, chr5:77,400,276, plus strand): 5'-TCTTGTTTTATCAAACTTTTGAACGACTTTAGATTCACAAGATTCATCGTGATTCAGGAG[A>T]CAATTCTCAGACAGGTGAGAATACTTCAATTGAACTCTAACATACTTAGGAGGCAGCTGT-3'
Protein context (NP_003710.1, residues 389-409): QIHKIHRDSG[Asp399Val]NSQTEPHSFR